The following is an entry in ClinVar:

ClinVar aggregate classification (germline): Conflicting classifications of pathogenicity. Review status: criteria provided, conflicting classifications (1 of 4 stars). 3 submissions from 2 submitters: Uncertain significance (2); Likely benign (1). Last evaluated 2024-12-17.

Conditions:
Autosomal recessive ataxia, Beauce type. Also called: SYNE1 Deficiency; SYNE1-Related Autosomal Recessive Cerebellar Ataxia; Spinocerebellar ataxia, autosomal recessive 8; ATAXIA, RECESSIVE, OF BEAUCE. Identifiers: Orphanet 88644, MedGen C1853116, MONDO:0012549, OMIM 610743.
Emery-Dreifuss muscular dystrophy 4, autosomal dominant (EDMD4). Also called: EMERY-DREIFUSS MUSCULAR DYSTROPHY 4 WITH VARIABLE FEATURES. Identifiers: Orphanet 261, MedGen C2751807, MONDO:0013071, OMIM 612998.

Allele frequency attached by ClinVar (database versions not stated): gnomAD exomes below 0.00001; ExAC 0.00001.
gnomAD v4.1: 5 of 1,614,072 alleles (0.00031%); highest among the groups gnomAD compares: Non-Finnish European, 0.00042%; no homozygotes.

Submissions (3):

Athena Diagnostics
Classification: Likely benign. Last evaluated: 2024-12-17. Review status: criteria provided, single submitter. Criteria: Athena Diagnostics Criteria. Collection method: clinical testing. Allele origin: unknown.
Comment: Computational tools yielded predictions that this variant is unlikely to have an effect on normal RNA splicing. This nucleotide position exhibits low evolutionary conservation.

Illumina Laboratory Services, Illumina
Classification: Uncertain significance for Emery-Dreifuss muscular dystrophy 4, autosomal dominant. Last evaluated: 2018-01-13. Review status: criteria provided, single submitter. Criteria: ICSL Variant Classification Criteria 13 December 2019. Collection method: clinical testing. Allele origin: germline.

Illumina Laboratory Services, Illumina
Classification: Uncertain significance for Autosomal recessive ataxia, Beauce type. Last evaluated: 2018-01-13. Review status: criteria provided, single submitter. Criteria: ICSL Variant Classification Criteria 13 December 2019. Collection method: clinical testing. Allele origin: germline.

NM_182961.4(SYNE1):c.5820G>A (p.Gly1940=)

Gene: SYNE1 (spectrin repeat containing nuclear envelope protein 1; minus strand). Cytogenetic location: 6q25.2.
Variant type: single nucleotide variant.
Coding change: c.5820G>A on transcript NM_182961.4 (MANE Select); coding-DNA position 5820, G replaced by A.
Protein change: p.Gly1940=; no amino-acid change (glycine 1940 retained).
Molecular consequence: synonymous variant.
Genome position (GRCh38, 1-based): chr6:152,416,617, C>T on the plus strand (G>A on the coding strand, the complement: SYNE1 is on the minus strand). VCF-style: chr6-152416617-C-T. GRCh37 (hg19) VCF-style: chr6-152737752-C-T.
Other names: c.5820G>A (NM_182961.2); c.5841G>A, p.Gly1947= (NM_033071.5).
Identifiers: ClinVar variation 355921 (VCV000355921.6), dbSNP rs773819434, ClinGen allele CA4058216.